The following is an entry in ClinVar:

ClinVar aggregate classification (germline): Uncertain significance (1 of 4 stars; one submission).

Conditions:
Neuroblastoma, susceptibility to, 3. Also called: ALK-Related Neuroblastic Tumor Susceptibility. Identifiers: Orphanet 635, MedGen C2751681, MONDO:0013083, OMIM 613014.

Submission:

Labcorp Genetics (formerly Invitae), Labcorp
Classification: Uncertain significance for Neuroblastoma, susceptibility to, 3. Last evaluated: 2024-01-22. Review status: criteria provided, single submitter. Criteria: Invitae Variant Classification Sherloc (09022015). Collection method: clinical testing. Allele origin: germline.
Comment: This sequence change creates a premature translational stop signal (p.Gln908Profs*40) in the ALK gene. It is expected to result in an absent or disrupted protein product. However, the current clinical and genetic evidence is not sufficient to establish whether loss-of-function variants in ALK cause disease. This variant is not present in population databases (gnomAD no frequency). This variant has not been reported in the literature in individuals affected with ALK-related conditions. In summary, the available evidence is currently insufficient to determine the role of this variant in disease. Therefore, it has been classified as a Variant of Uncertain Significance.

NM_004304.5(ALK):c.2722dup (p.Gln908fs)

Gene: ALK (ALK receptor tyrosine kinase; minus strand). Cytogenetic location: 2p23.2.
Variant type: Duplication.
Coding change: c.2722dup on transcript NM_004304.5 (MANE Select); coding-DNA position 2722, one base duplicated (C; older notation c.2722dupC).
Protein change: p.Gln908fs; shifts the reading frame from glutamine 908.
Molecular consequence: frameshift variant.
Genome position (GRCh38, 1-based): chr2:29,228,977, G duplicated on the plus strand (C on the coding strand, the reverse complement: ALK is on the minus strand); the first of 5 consecutive G bases (chr2:29,228,977-29,228,981); duplicating any one gives the same sequence. VCF-style (leftmost placement, unchanged base first): chr2-29228976-T-TG. GRCh37 (hg19) VCF-style: chr2-29451842-T-TG.
Other names: short protein forms Q908fs.
Identifiers: ClinVar variation 2908081 (VCV002908081.3), dbSNP rs2148180609, ClinGen allele CA2739274279.